The following is an entry in ClinVar:

ClinVar aggregate classification (germline): Conflicting classifications of pathogenicity. Review status: criteria provided, conflicting classifications (1 of 4 stars). 2 submissions from 2 submitters: Likely pathogenic (1); Uncertain significance (1). Last evaluated 2025-07-01.

Conditions:
Charcot-Marie-Tooth disease type 2. Also called: Charcot-Marie-Tooth type 2. Identifiers: Orphanet 64746, MedGen C0270914, MONDO:0018993.

Submissions (2):

Labcorp Genetics (formerly Invitae), Labcorp
Classification: Likely pathogenic for Charcot-Marie-Tooth disease type 2. Last evaluated: 2025-07-01. Review status: criteria provided, single submitter. Criteria: Invitae Variant Classification Sherloc (09022015). Collection method: clinical testing. Allele origin: germline.
Comment: This sequence change replaces tyrosine, which is neutral and polar, with phenylalanine, which is neutral and non-polar, at codon 45 of the LMNA protein (p.Tyr45Phe). This variant is not present in population databases (gnomAD no frequency). This variant has not been reported in the literature in individuals affected with LMNA-related conditions. Invitae Evidence Modeling of protein sequence and biophysical properties (such as structural, functional, and spatial information, amino acid conservation, physicochemical variation, residue mobility, and thermodynamic stability) indicates that this missense variant is expected to disrupt LMNA protein function with a positive predictive value of 95%. Experimental studies are conflicting or provide insufficient evidence to determine the effect of this variant on LMNA function (PMID: 34385357). This variant disrupts the p.Tyr45 amino acid residue in LMNA. Other variant(s) that disrupt this residue have been determined to be pathogenic (PMID: 10939567, 20848652, 23183350; internal data). This suggests that this residue is clinically significant, and that variants that disrupt this residue are likely to be disease-causing. In summary, the currently available evidence indicates that the variant is pathogenic, but additional data are needed to prove that conclusively. Therefore, this variant has been classified as Likely Pathogenic.

Revvity Omics, Revvity
Classification: Uncertain significance. Last evaluated: 2025-05-07. Review status: criteria provided, single submitter. Criteria: ACMG Guidelines, 2015. Collection method: clinical testing. Allele origin: germline.

Literature cited by the submitters: PubMed 34385357 (cited by Labcorp Genetics (formerly Invitae), Labcorp); PubMed 10939567 (cited by Labcorp Genetics (formerly Invitae), Labcorp); PubMed 20848652 (cited by Labcorp Genetics (formerly Invitae), Labcorp); PubMed 23183350 (cited by Labcorp Genetics (formerly Invitae), Labcorp).

NM_170707.4(LMNA):c.134A>T (p.Tyr45Phe)

Gene: LMNA (lamin A/C; plus strand). Cytogenetic location: 1q22.
Variant type: single nucleotide variant.
Coding change: c.134A>T on transcript NM_170707.4 (MANE Select); coding-DNA position 134, A replaced by T.
Protein change: p.Tyr45Phe; replaces tyrosine 45 with phenylalanine.
Molecular consequence: missense variant. On other transcripts: 5 prime UTR variant (8), intron variant (2).
Genome position (GRCh38, 1-based): chr1:156,115,052, A>T. VCF-style: chr1-156115052-A-T. GRCh37 (hg19) VCF-style: chr1-156084843-A-T.
Other names: c.134A>T, p.Tyr45Phe (NM_001282625.2, NM_001282626.2, NM_001406983.1 and 6 more transcripts); c.-290A>T (NM_001406986.1); c.-268A>T (NM_001406990.1, NM_001406995.1, NM_001407002.1); c.-203+8229A>T (NM_001406993.1, NM_001407003.1); c.-531A>T (NM_001406994.1, NM_001407000.1); c.-711A>T (NM_001406999.1); c.-374A>T (NM_001407001.1); short protein forms Y45F.
Identifiers: ClinVar variation 4079206 (VCV004079206.2).
Genomic context (GRCh38, chr1:156,115,052, plus strand): 5'-GCATCACCCGGCTGCAGGAGAAGGAGGACCTGCAGGAGCTCAATGATCGCTTGGCGGTCT[A>T]CATCGACCGTGTGCGCTCGCTGGAAACGGAGAACGCAGGGCTGCGCCTTCGCATCACCGA-3'
Protein context (NP_733821.1, residues 35-55): LQELNDRLAV[Tyr45Phe]IDRVRSLETE